The following is an entry in ClinVar:

NM_000426.4(LAMA2):c.1916A>T (p.Asp639Val)

Gene: LAMA2 (laminin subunit alpha 2; plus strand). Cytogenetic location: 6q22.33.
Variant type: single nucleotide variant.
Coding change: c.1916A>T on transcript NM_000426.4 (MANE Select); coding-DNA position 1916, A replaced by T.
Protein change: p.Asp639Val; replaces aspartic acid 639 with valine.
Molecular consequence: missense variant.
Genome position (GRCh38, 1-based): chr6:129,252,115, A>T. VCF-style: chr6-129252115-A-T. GRCh37 (hg19) VCF-style: chr6-129573260-A-T.
Other names: c.1916A>T, p.Asp639Val (NM_001079823.2); short protein forms D639V.
Identifiers: ClinVar variation 1310716 (VCV001310716.2), dbSNP rs2114287007, ClinGen allele CA365610201.

ClinVar aggregate classification (germline): Uncertain significance (1 of 4 stars; one submission).

Submission:

GeneDx
Classification: Uncertain significance. Last evaluated: 2020-01-08. Review status: criteria provided, single submitter. Criteria: GeneDx Variant Classification Process June 2021. Collection method: clinical testing. Allele origin: germline. Affected: yes.
Comment: Not observed in large population cohorts (Lek et al., 2016); In silico analysis, which includes protein predictors and evolutionary conservation, supports a deleterious effect; Has not been previously published as pathogenic or benign to our knowledge